The following is an entry in ClinVar:

ClinVar aggregate classification (germline): Uncertain significance (1 of 4 stars; one submission).

Conditions:
Hereditary cancer-predisposing syndrome. Also called: Hereditary Cancer Syndrome; Neoplastic Syndromes, Hereditary; Tumor predisposition; Hereditary neoplastic syndrome. Identifiers: Orphanet 140162, MedGen C0027672, MeSH D009386, MONDO:0015356.

Submission:

Color Diagnostics, LLC DBA Color Health
Classification: Uncertain significance for Hereditary cancer-predisposing syndrome. Last evaluated: 2023-12-05. Review status: criteria provided, single submitter. Criteria: ACMG Guidelines, 2015. Collection method: clinical testing. Allele origin: germline.
Comment: This missense variant replaces tyrosine with histidine at codon 44 of the BAP1 protein. Computational prediction is inconclusive regarding the impact of this variant on protein structure and function (internally defined REVEL score threshold 0.5 < inconclusive < 0.7, PMID: 27666373). To our knowledge, functional studies have not been reported for this variant. This variant has not been reported in individuals affected with BAP1-related disorders in the literature. This variant has not been identified in the general population by the Genome Aggregation Database (gnomAD). The available evidence is insufficient to determine the role of this variant in disease conclusively. Therefore, this variant is classified as a Variant of Uncertain Significance.

NM_004656.4(BAP1):c.130T>C (p.Tyr44His)

Gene: BAP1 (BRCA1 associated deubiquitinase 1; minus strand). Cytogenetic location: 3p21.1.
Variant type: single nucleotide variant.
Coding change: c.130T>C on transcript NM_004656.4 (MANE Select); coding-DNA position 130, T replaced by C.
Protein change: p.Tyr44His; replaces tyrosine 44 with histidine.
Molecular consequence: missense variant.
Genome position (GRCh38, 1-based): chr3:52,408,599, A>G on the plus strand (T>C on the coding strand, the complement: BAP1 is on the minus strand). VCF-style: chr3-52408599-A-G. GRCh37 (hg19) VCF-style: chr3-52442615-A-G.
Other names: c.130T>C (LRG_529t1); short protein forms Y44H.
Identifiers: ClinVar variation 489612 (VCV000489612.6), dbSNP rs1384507048, ClinGen allele CA353113805.